The following is an entry in ClinVar:

ClinVar aggregate classification (germline): Uncertain significance (1 of 4 stars; one submission).

Submission:

Ambry Genetics
Classification: Uncertain significance. Last evaluated: 2025-12-22. Review status: criteria provided, single submitter. Criteria: Ambry Variant Classification Scheme 2023. Collection method: clinical testing. Allele origin: germline.
Comment: The p.A146S variant (also known as c.436G>T), located in coding exon 4 of the RAD51B gene, results from a G to T substitution at nucleotide position 436. The alanine at codon 146 is replaced by serine, an amino acid with similar properties. This amino acid position is highly conserved in available vertebrate species. In addition, this alteration is predicted to be tolerated by in silico analysis. The evidence for this gene-disease relationship is limited; therefore, the clinical significance of this alteration is unclear.

NM_133510.4(RAD51B):c.436G>T (p.Ala146Ser)

Gene: RAD51B (RAD51 paralog B; plus strand). Cytogenetic location: 14q24.1.
Variant type: single nucleotide variant.
Coding change: c.436G>T on transcript NM_133510.4 (MANE Select); coding-DNA position 436, G replaced by T.
Protein change: p.Ala146Ser; replaces alanine 146 with serine.
Molecular consequence: missense variant.
Genome position (GRCh38, 1-based): chr14:67,865,123, G>T. VCF-style: chr14-67865123-G-T. GRCh37 (hg19) VCF-style: chr14-68331840-G-T.
Other names: c.436G>T, p.Ala146Ser (NM_001321809.2, NM_001321810.2, NM_001321812.1 and 6 more transcripts); c.322G>T, p.Ala108Ser (NM_001321815.1); c.79G>T, p.Ala27Ser (NM_001321817.2); short protein forms A27S, A108S, A146S.
Identifiers: ClinVar variation 4842720 (VCV004842720.1).